The following is an entry in ClinVar:

NC_000001.10:g.(?_45288087)_(45308604_?)dup

Gene: PTCH2 (patched 2; minus strand). Cytogenetic location: 1p34.1.
Variant type: Duplication.
Identifiers: ClinVar variation 2424752 (VCV002424752.7).

ClinVar aggregate classification (germline): Uncertain significance (1 of 4 stars; one submission).

Conditions:
Gorlin syndrome. Also called: Nevoid Basal Cell Carcinoma Syndrome; Basal cell nevus syndrome. Identifiers: Orphanet 377, MedGen C0004779, MONDO:0007187.

Submission:

Labcorp Genetics (formerly Invitae), Labcorp
Classification: Uncertain significance for Gorlin syndrome. Last evaluated: 2022-10-24. Review status: criteria provided, single submitter. Criteria: Invitae Variant Classification Sherloc (09022015). Collection method: clinical testing. Allele origin: germline.
Comment: In summary, the available evidence is currently insufficient to determine the role of this variant in disease. Therefore, it has been classified as a Variant of Uncertain Significance. Experimental studies and prediction algorithms are not available or were not evaluated, and the functional significance of this variant is currently unknown. This variant has not been reported in the literature in individuals affected with PTCH2-related conditions. A copy number gain of the genomic region encompassing the full coding sequence of the PTCH2 gene has been identified. The boundaries of this event are unknown as they extend beyond the assayed region for this gene and therefore may encompass additional genes. As the precise location of this event is unknown, it may be in tandem or it may be located elsewhere in the genome.